The following is an entry in ClinVar:

NM_144997.7(FLCN):c.420del (p.Ile141fs)

Gene: FLCN (folliculin; minus strand). Cytogenetic location: 17p11.2.
Variant type: Deletion.
Coding change: c.420del on transcript NM_144997.7 (MANE Select); coding-DNA position 420, one base deleted (C; older notation c.420delC).
Protein change: p.Ile141fs; shifts the reading frame from isoleucine 141.
Molecular consequence: frameshift variant.
Genome position (GRCh38, 1-based): chr17:17,224,120, G deleted on the plus strand (C on the coding strand, the reverse complement: FLCN is on the minus strand); the first of 4 consecutive G bases (chr17:17,224,120-17,224,123); deleting any one gives the same sequence. VCF-style (leftmost placement, unchanged base first): chr17-17224119-TG-T. GRCh37 (hg19) VCF-style: chr17-17127433-TG-T.
Other names: c.474del, p.Ile159fs (NM_001353229.2); c.420del, p.Ile141fs (NM_001353230.2, NM_001353231.2, NM_144606.7); short protein forms I141fs, I159fs.
Identifiers: ClinVar variation 4890720 (VCV004890720.1).
Genomic context (GRCh38, chr17:17,224,119, plus strand): 5'-TGTCCTTGATGAAGAAGGTGTGGCTGAACACAAAGCCGTGCTGCTCATCTCCGAAGAAGA[TG>T]GGGCCTTCACGGCCAGGGCAGACCTGGAGGGACACCGGCGACTCAGACAGCCCTTTCCTC-3'

ClinVar aggregate classification (germline): Likely pathogenic (1 of 4 stars; one submission).

Conditions:
Birt-Hogg-Dube syndrome 1 (BHD1). Also called: FIBROFOLLICULOMAS WITH TRICHODISCOMAS AND ACROCHORDONS. Identifiers: Orphanet 122, MedGen CN375946, MONDO:0800445, OMIM 135150.

Submission:

Institute of Human Genetics, University of Leipzig Medical Center
Classification: Likely pathogenic for Birt-Hogg-Dube syndrome 1. Last evaluated: 2026-08-03. Review status: criteria provided, single submitter. Criteria: ACMG Guidelines, 2015. Collection method: clinical testing. Allele origin: unknown. Inheritance: Autosomal dominant inheritance. Affected: yes.
Comment: Criteria applied: PVS1,PM2_SUP